The following is an entry in ClinVar:

NM_003079.5(SMARCE1):c.1177A>G (p.Ser393Gly)

Gene: SMARCE1 (SWI/SNF related BAF chromatin remodeling complex subunit E1; minus strand). Cytogenetic location: 17q21.2.
Variant type: single nucleotide variant.
Coding change: c.1177A>G on transcript NM_003079.5 (MANE Select); coding-DNA position 1177, A replaced by G.
Protein change: p.Ser393Gly; replaces serine 393 with glycine.
Molecular consequence: missense variant.
Genome position (GRCh38, 1-based): chr17:40,628,844, T>C on the plus strand (A>G on the coding strand, the complement: SMARCE1 is on the minus strand). VCF-style: chr17-40628844-T-C. GRCh37 (hg19) VCF-style: chr17-38785096-T-C.
Other names: short protein forms S393G.
Identifiers: ClinVar variation 962742 (VCV000962742.12), dbSNP rs775907713, ClinGen allele CA290547444.

ClinVar aggregate classification (germline): Uncertain significance. Review status: criteria provided, multiple submitters, no conflicts (2 of 4 stars). 3 submissions from 3 submitters: Uncertain significance (3). Last evaluated 2024-05-09.

Conditions:
Hereditary cancer-predisposing syndrome. Also called: Tumor predisposition; Hereditary neoplastic syndrome; Hereditary Cancer Syndrome; Neoplastic Syndromes, Hereditary. Identifiers: Orphanet 140162, MedGen C0027672, MeSH D009386, MONDO:0015356.
Familial meningioma. Also called: Meningioma, familial, susceptibility to. Identifiers: Orphanet 263662, MedGen C3551915, MONDO:0011789, OMIM 607174.

Allele frequency attached by ClinVar (database versions not stated): gnomAD exomes below 0.00001.
gnomAD v4.1: 2 of 1,613,940 alleles (0.00012%); highest among the groups gnomAD compares: Non-Finnish European, 0.00017%; no homozygotes.

Submissions (3):

Ambry Genetics
Classification: Uncertain significance for Hereditary cancer-predisposing syndrome. Last evaluated: 2024-05-09. Review status: criteria provided, single submitter. Criteria: Ambry Variant Classification Scheme 2023. Collection method: clinical testing. Allele origin: germline.
Comment: The p.S393G variant (also known as c.1177A>G), located in coding exon 10 of the SMARCE1 gene, results from an A to G substitution at nucleotide position 1177. The serine at codon 393 is replaced by glycine, an amino acid with similar properties. This amino acid position is conserved. In addition, this alteration is predicted to be tolerated by in silico analysis. Based on the available evidence, the clinical significance of this variant remains unclear.

Baylor Genetics
Classification: Uncertain significance for Familial meningioma. Last evaluated: 2024-02-07. Review status: criteria provided, single submitter. Criteria: ACMG Guidelines, 2015. Collection method: clinical testing. Allele origin: unknown.

Labcorp Genetics (formerly Invitae), Labcorp
Classification: Uncertain significance for Familial meningioma. Last evaluated: 2023-11-10. Review status: criteria provided, single submitter. Criteria: Invitae Variant Classification Sherloc (09022015). Collection method: clinical testing. Allele origin: germline.
Comment: This sequence change replaces serine, which is neutral and polar, with glycine, which is neutral and non-polar, at codon 393 of the SMARCE1 protein (p.Ser393Gly). This variant is not present in population databases (gnomAD no frequency). This variant has not been reported in the literature in individuals affected with SMARCE1-related conditions. ClinVar contains an entry for this variant (Variation ID: 962742). Algorithms developed to predict the effect of missense changes on protein structure and function output the following: SIFT: "Not Available"; PolyPhen-2: "Benign"; Align-GVGD: "Not Available". The glycine amino acid residue is found in multiple mammalian species, which suggests that this missense change does not adversely affect protein function. In summary, the available evidence is currently insufficient to determine the role of this variant in disease. Therefore, it has been classified as a Variant of Uncertain Significance.